The following is an entry in ClinVar:

ClinVar aggregate classification (germline): Conflicting classifications of pathogenicity. Review status: criteria provided, conflicting classifications (1 of 4 stars). 3 submissions from 3 submitters: Uncertain significance (2); Likely benign (1). Last evaluated 2025-08-24.

Conditions:
Infantile onset spinocerebellar ataxia (MTDPS7). Also called: OHAHA SYNDROME; SPINOCEREBELLAR ATAXIA, INFANTILE, WITH SENSORY NEUROPATHY; OPHTHALMOPLEGIA, HYPOTONIA, ATAXIA, HYPOACUSIS, AND ATHETOSIS; Mitochondrial DNA depletion syndrome 7 (hepatocerebral type). Identifiers: Orphanet 1186, MedGen C1849096, MONDO:0010060, OMIM 271245.
Perrault syndrome 5 (PRLTS5). Identifiers: Orphanet 2855, MedGen C4015307, MONDO:0014504, OMIM 616138.

Allele frequency attached by ClinVar (database versions not stated): ExAC 0.00001; gnomAD 0.00001 and 0.00002; gnomAD exomes 0.00001 and 0.00002; TOPMed 0.00003; 1000 Genomes Project 30x 0.00016; 1000 Genomes Project 0.00020.

Submissions (3):

Labcorp Genetics (formerly Invitae), Labcorp
Classification: Uncertain significance. Last evaluated: 2025-08-24. Review status: criteria provided, single submitter. Criteria: Invitae Variant Classification Sherloc (09022015). Collection method: clinical testing. Allele origin: germline.
Comment: This sequence change replaces glycine, which is neutral and non-polar, with arginine, which is basic and polar, at codon 540 of the TWNK protein (p.Gly540Arg). This variant is present in population databases (rs568256888, gnomAD 0.009%). This missense change has been observed in individual(s) with TWNK-related conditions (PMID: 35792653). ClinVar contains an entry for this variant (Variation ID: 1497932). Invitae Evidence Modeling of protein sequence and biophysical properties (such as structural, functional, and spatial information, amino acid conservation, physicochemical variation, residue mobility, and thermodynamic stability) indicates that this missense variant is expected to disrupt TWNK protein function with a positive predictive value of 95%. In summary, the available evidence is currently insufficient to determine the role of this variant in disease. Therefore, it has been classified as a Variant of Uncertain Significance.

3billion
Classification: Likely benign for Infantile onset spinocerebellar ataxia; Perrault syndrome 5. Last evaluated: 2024-09-20. Review status: criteria provided, single submitter. Criteria: ACMG Guidelines, 2015. Collection method: clinical testing. Allele origin: germline. Affected: no.
Comment: The homozygous variant was found in patients diagnosed with another variant in a different gene, with no symptoms related to the gene containing the homozygous variant.

Mayo Clinic Laboratories, Mayo Clinic
Classification: Uncertain significance. Last evaluated: 2022-01-06. Review status: criteria provided, single submitter. Criteria: ACMG Guidelines, 2015. Collection method: clinical testing. Allele origin: germline.

Literature cited by the submitters: PubMed 35792653 (cited by Labcorp Genetics (formerly Invitae), Labcorp).

NM_021830.5(TWNK):c.1618G>A (p.Gly540Arg)

Gene: TWNK (twinkle mtDNA helicase; plus strand). Cytogenetic location: 10q24.31.
Variant type: single nucleotide variant.
Coding change: c.1618G>A on transcript NM_021830.5 (MANE Select); coding-DNA position 1618, G replaced by A.
Protein change: p.Gly540Arg; replaces glycine 540 with arginine.
Molecular consequence: missense variant. On other transcripts: non-coding transcript variant (5).
Genome position (GRCh38, 1-based): chr10:100,990,894, G>A. VCF-style: chr10-100990894-G-A. GRCh37 (hg19) VCF-style: chr10-102750651-G-A.
Other names: p.Gly540Arg; c.1618G>A, p.Gly540Arg (NM_001163812.2); c.256G>A, p.Gly86Arg (NM_001163813.2, NM_001163814.2, NM_001368275.1); short protein forms G86R, G540R.
Identifiers: ClinVar variation 1497932 (VCV001497932.10), dbSNP rs568256888, ClinGen allele CA5653300.